The following is an entry in ClinVar:

ClinVar aggregate classification (germline): Conflicting classifications of pathogenicity. Review status: criteria provided, conflicting classifications (1 of 4 stars). 8 submissions from 8 submitters: Pathogenic (1); Likely pathogenic (2); Uncertain significance (4). 1 of the submissions does not count toward it. Last evaluated 2025-09-22.

Conditions:
Tyrosinase-positive oculocutaneous albinism (OCA2). Also called: ALBINISM II; Albinism, oculocutaneous, type II; Oculocutaneous albinism type 2. Identifiers: Orphanet 79432, MedGen C0268495, MONDO:0008746, OMIM 203200.
Oculocutaneous albinism. Identifiers: Orphanet 55, MedGen C0078918, MONDO:0018910.
Nonsyndromic Oculocutaneous Albinism.
SKIN/HAIR/EYE PIGMENTATION 1, BLUE/NONBLUE EYES (SHEP1). Also called: HAIR COLOR 3; BROWN EYE COLOR 2; EYE COLOR 3; EYE COLOR, BLUE/NONBLUE; EYE COLOR, BROWN/BLUE; SKIN/HAIR/EYE PIGMENTATION 1, BLOND/BROWN HAIR. Identifiers: MedGen C1856895, OMIM 227220.

Allele frequency attached by ClinVar (database versions not stated): gnomAD exomes below 0.00001 and 0.00001; gnomAD 0.00001; TOPMed 0.00001; ExAC 0.00002; ESP Exome Variant Server 0.00008.
gnomAD v4.1: 2 of 1,613,858 alleles (0.00012%); highest among the groups gnomAD compares: African/African-American, 0.0027%; no homozygotes.

Submissions (8):

Myriad Genetics, Inc.
Classification: Uncertain significance for Tyrosinase-positive oculocutaneous albinism. Last evaluated: 2025-09-22. Review status: criteria provided, single submitter. Criteria: Myriad Autosomal Dominant, Autosomal Recessive and X-Linked Classification Criteria (2023). Collection method: clinical testing. Allele origin: unknown.
Comment: NM_000275.2(OCA2):c.1322A>G(D441G) is a missense variant classified as a variant of uncertain significance in the context of oculocutaneous albinism, OCA2-related. D441G has been observed in cases with relevant disease (PMID: 28266639). Relevant functional assessments of this variant are available in the literature (PMID: 28266639). D441G has been observed in referenced population frequency databases. In summary, there is insufficient evidence to classify NM_000275.2(OCA2):c.1322A>G(D441G) as pathogenic or benign. Please note: this variant was assessed in the context of healthy population screening.

Women's Health and Genetics/Laboratory Corporation of America, LabCorp
Classification: Likely pathogenic for Oculocutaneous albinism. Last evaluated: 2025-06-20. Review status: criteria provided, single submitter. Criteria: LabCorp Variant Classification Summary - May 2015. Collection method: clinical testing. Allele origin: germline.
Comment: Variant summary: OCA2 c.1322A>G (p.Asp441Gly) results in a non-conservative amino acid change located in the citrate transporter-like domain (IPR004680) of the encoded protein sequence. Algorithms developed to predict the effect of missense changes on protein structure and function all suggest that this variant is likely to be disruptive. The variant allele was found at a frequency of 8e-06 in 250048 control chromosomes (gnomAD). c.1322A>G has been observed in individual(s) affected with Oculocutaneous Albinism (internal testing, Shahzad_2017). These data indicate that the variant is likely to be associated with disease. To our knowledge, no experimental evidence demonstrating an impact on protein function has been reported. The following publications have been ascertained in the context of this evaluation (PMID: 28266639, 35741834). ClinVar contains an entry for this variant (Variation ID: 502704). Based on the evidence outlined above, the variant was classified as likely pathogenic.

Labcorp Genetics (formerly Invitae), Labcorp
Classification: Pathogenic. Last evaluated: 2024-09-11. Review status: criteria provided, single submitter. Criteria: Invitae Variant Classification Sherloc (09022015). Collection method: clinical testing. Allele origin: germline.
Comment: This sequence change replaces aspartic acid, which is acidic and polar, with glycine, which is neutral and non-polar, at codon 441 of the OCA2 protein (p.Asp441Gly). This variant is present in population databases (rs147816326, gnomAD 0.004%). This missense change has been observed in individual(s) with clinical features of oculocutaneous albinism (PMID: 28266639; internal data). In at least one individual the data is consistent with being in trans (on the opposite chromosome) from a pathogenic variant. ClinVar contains an entry for this variant (Variation ID: 502704). Invitae Evidence Modeling of protein sequence and biophysical properties (such as structural, functional, and spatial information, amino acid conservation, physicochemical variation, residue mobility, and thermodynamic stability) indicates that this missense variant is expected to disrupt OCA2 protein function with a positive predictive value of 80%. Experimental studies have shown that this missense change affects OCA2 function (PMID: 28266639). This variant disrupts the p.Asp441 amino acid residue in OCA2. Other variant(s) that disrupt this residue have been determined to be pathogenic (internal data). This suggests that this residue is clinically significant, and that variants that disrupt this residue are likely to be disease-causing. For these reasons, this variant has been classified as Pathogenic.

Baylor Genetics
Classification: Likely pathogenic for SKIN/HAIR/EYE PIGMENTATION 1, BLUE/NONBLUE EYES. Last evaluated: 2023-09-13. Review status: criteria provided, single submitter. Criteria: ACMG Guidelines, 2015. Collection method: clinical testing. Allele origin: unknown.

Genome-Nilou Lab
Classification: Uncertain significance for Tyrosinase-positive oculocutaneous albinism. Last evaluated: 2021-11-07. Review status: criteria provided, single submitter. Criteria: ACMG Guidelines, 2015. Collection method: clinical testing. Allele origin: germline. Affected: no.

GeneDx
Classification: Uncertain significance. Last evaluated: 2020-07-06. Review status: criteria provided, single submitter. Criteria: GeneDx Variant Classification Process June 2021. Collection method: clinical testing. Allele origin: germline. Affected: yes.
Comment: Observed in a patient in published literature with oculocutaneous albinism (Shahzad et al., 2017), although it is not stated whether this variant was present in the homozygous or heterozygous state; In silico analysis, which includes protein predictors and evolutionary conservation, supports a deleterious effect; This variant is associated with the following publications: (PMID: 28266639)

Eurofins Ntd Llc (ga)
Classification: Uncertain significance. Last evaluated: 2017-06-23. Review status: criteria provided, single submitter. Criteria: EGL Classification Definitions 2015. Collection method: clinical testing. Allele origin: germline. Observed: 2 variant alleles, 2 heterozygotes.

University of Washington Center for Mendelian Genomics, University of Washington
Classification: Likely pathogenic for Nonsyndromic Oculocutaneous Albinism. Last evaluated: 2017-03-07. Review status: no assertion criteria provided. Collection method: research. Allele origin: unknown. Affected: yes. Observed: 1 homozygote. Not counted in ClinVar's aggregate classification.

Literature cited by the submitters: PubMed 28266639 (cited by 4 submitters); PubMed 35741834 (cited by Women's Health and Genetics/Laboratory Corporation of America, LabCorp).

NM_000275.3(OCA2):c.1322A>G (p.Asp441Gly)

Gene: OCA2 (OCA2 melanosomal transmembrane protein; minus strand). Cytogenetic location: 15q13.1.
Variant type: single nucleotide variant.
Coding change: c.1322A>G on transcript NM_000275.3 (MANE Select); coding-DNA position 1322, A replaced by G.
Protein change: p.Asp441Gly; replaces aspartic acid 441 with glycine.
Molecular consequence: missense variant.
Genome position (GRCh38, 1-based): chr15:27,985,106, T>C on the plus strand (A>G on the coding strand, the complement: OCA2 is on the minus strand). VCF-style: chr15-27985106-T-C. GRCh37 (hg19) VCF-style: chr15-28230252-T-C.
Other names: c.1250A>G, p.Asp417Gly (NM_001300984.2); short protein forms D441G, D417G.
Identifiers: ClinVar variation 502704 (VCV000502704.18), dbSNP rs147816326, ClinGen allele CA7439081.